The following is an entry in ClinVar:

NM_000350.3(ABCA4):c.3673A>G (p.Ile1225Val)

Genes: ABCA4 (ATP binding cassette subfamily A member 4; minus strand), LOC126805794 (BRD4-independent group 4 enhancer GRCh37_chr1:94502188-94503387; plus strand). Cytogenetic location: 1p22.1.
Variant type: single nucleotide variant.
Coding change: c.3673A>G on transcript NM_000350.3 (MANE Select); coding-DNA position 3673, A replaced by G.
Protein change: p.Ile1225Val; replaces isoleucine 1225 with valine.
Molecular consequence: missense variant.
Genome position (GRCh38, 1-based): chr1:94,037,285, T>C on the plus strand (A>G on the coding strand, the complement: ABCA4 is on the minus strand). VCF-style: chr1-94037285-T-C. GRCh37 (hg19) VCF-style: chr1-94502841-T-C.
Other names: c.3451A>G, p.Ile1151Val (NM_001425324.1); short protein forms I1225V, I1151V.
Identifiers: ClinVar variation 2058521 (VCV002058521.5), dbSNP rs1247681526, ClinGen allele CA341289454.
Genomic context (GRCh38, chr1:94,037,285, plus strand): 5'-TGGCATATGCTCTGTGCTTGAAGTTCTTATTTGGAAGAAGGAAGATAAGTTCTTGACCAA[T>C]GCACTCCACCAGCTTTGCCTCTGGAACATGGTGGAGAACTACATCCATCAGCTCATTTAC-3'
Protein context (NP_000341.2, residues 1215-1235): HVPEAKLVEC[Ile1225Val]GQELIFLLPN

ClinVar aggregate classification (germline): Uncertain significance. Review status: criteria provided, multiple submitters, no conflicts (2 of 4 stars). 2 submissions from 2 submitters: Uncertain significance (2). Last evaluated 2021-12-24.

Allele frequency attached by ClinVar (database versions not stated): TOPMed below 0.00001; gnomAD 0.00001.
gnomAD v4.1: 2 of 1,614,102 alleles (0.00012%); highest among the groups gnomAD compares: Non-Finnish European, 0.00017%; no homozygotes.

Submissions (2):

Labcorp Genetics (formerly Invitae), Labcorp
Classification: Uncertain significance. Last evaluated: 2021-12-24. Review status: criteria provided, single submitter. Criteria: Invitae Variant Classification Sherloc (09022015). Collection method: clinical testing. Allele origin: germline.
Comment: This variant has not been reported in the literature in individuals affected with ABCA4-related conditions. This variant is not present in population databases (gnomAD no frequency). This sequence change replaces isoleucine, which is neutral and non-polar, with valine, which is neutral and non-polar, at codon 1225 of the ABCA4 protein (p.Ile1225Val). Advanced modeling of protein sequence and biophysical properties (such as structural, functional, and spatial information, amino acid conservation, physicochemical variation, residue mobility, and thermodynamic stability) performed at Invitae indicates that this missense variant is not expected to disrupt ABCA4 protein function. In summary, the available evidence is currently insufficient to determine the role of this variant in disease. Therefore, it has been classified as a Variant of Uncertain Significance.

Blueprint Genetics
Classification: Uncertain significance. Last evaluated: 2020-01-28. Review status: criteria provided, single submitter. Criteria: ACMG Guidelines, 2015. Collection method: clinical testing. Allele origin: germline.